The following is an entry in ClinVar:

NM_001009999.3(KDM1A):c.1501G>A (p.Glu501Lys)

Gene: KDM1A (lysine demethylase 1A; plus strand). Cytogenetic location: 1p36.12.
Variant type: single nucleotide variant.
Coding change: c.1501G>A on transcript NM_001009999.3 (MANE Select); coding-DNA position 1501, G replaced by A.
Protein change: p.Glu501Lys; replaces glutamic acid 501 with lysine.
Molecular consequence: missense variant.
Genome position (GRCh38, 1-based): chr1:23,071,312, G>A. VCF-style: chr1-23071312-G-A. GRCh37 (hg19) VCF-style: chr1-23397805-G-A.
Other names: c.1429G>A, p.Glu477Lys (NM_001363654.2, NM_001410763.1, NM_015013.4); c.1489G>A, p.Glu497Lys (NM_001410762.1); short protein forms E477K, E497K, E501K.
Identifiers: ClinVar variation 1706909 (VCV001706909.4), dbSNP rs1643312645, ClinGen allele CA338968250.

ClinVar aggregate classification (germline): Uncertain significance. Review status: criteria provided, multiple submitters, no conflicts (2 of 4 stars). 2 submissions from 2 submitters: Uncertain significance (2). Last evaluated 2024-11-21.

Allele frequency attached by ClinVar (database versions not stated): gnomAD exomes below 0.00001; TOPMed below 0.00001.
gnomAD v4.1: 2 of 1,613,558 alleles (0.00012%); highest among the groups gnomAD compares: East Asian, 0.0022%; no homozygotes.

Submissions (2):

Labcorp Genetics (formerly Invitae), Labcorp
Classification: Uncertain significance. Last evaluated: 2024-11-21. Review status: criteria provided, single submitter. Criteria: Invitae Variant Classification Sherloc (09022015). Collection method: clinical testing. Allele origin: germline.
Comment: This sequence change replaces glutamic acid, which is acidic and polar, with lysine, which is basic and polar, at codon 501 of the KDM1A protein (p.Glu501Lys). This variant is not present in population databases (gnomAD no frequency). This variant has not been reported in the literature in individuals affected with KDM1A-related conditions. ClinVar contains an entry for this variant (Variation ID: 1706909). Invitae Evidence Modeling of protein sequence and biophysical properties (such as structural, functional, and spatial information, amino acid conservation, physicochemical variation, residue mobility, and thermodynamic stability) indicates that this missense variant is expected to disrupt KDM1A protein function with a positive predictive value of 80%. In summary, the available evidence is currently insufficient to determine the role of this variant in disease. Therefore, it has been classified as a Variant of Uncertain Significance.

GeneDx
Classification: Uncertain significance. Last evaluated: 2022-03-26. Review status: criteria provided, single submitter. Criteria: GeneDx Variant Classification Process June 2021. Collection method: clinical testing. Allele origin: germline. Affected: yes.
Comment: Not observed at significant frequency in large population cohorts (gnomAD); In silico analysis supports that this missense variant has a deleterious effect on protein structure/function; Has not been previously published as pathogenic or benign to our knowledge